The following is an entry in ClinVar:

ClinVar aggregate classification (germline): Uncertain significance. Review status: criteria provided, multiple submitters, no conflicts (2 of 4 stars). 3 submissions from 3 submitters: Uncertain significance (2). 1 of the submissions does not count toward it. Last evaluated 2026-01-05.

Conditions:
Autosomal recessive congenital ichthyosis 4A (LI2). Also called: ICHTHYOSIS CONGENITA IIB. Identifiers: Orphanet 313, MedGen C1832550, MONDO:0011026, OMIM 601277.
Autosomal recessive congenital ichthyosis 4B (ARCI4B). Also called: Harlequin Fetus; ICHTHYOSIS CONGENITA, HARLEQUIN FETUS TYPE; Ichthyosis, congenital, autosomal recessive 4B (harlequin); HARLEQUIN ICHTHYOSIS. Identifiers: Orphanet 457, MedGen C0598226, MONDO:0009443, OMIM 242500.

Allele frequency attached by ClinVar (database versions not stated): TOPMed below 0.00001; gnomAD 0.00001.
gnomAD v4.1: 1 of 1,613,412 alleles (0.000062%); highest among the groups gnomAD compares: Non-Finnish European, 0.000085%; no homozygotes.

Submissions (3):

Women's Health and Genetics/Laboratory Corporation of America, LabCorp
Classification: Uncertain significance. Last evaluated: 2026-01-05. Review status: criteria provided, single submitter. Criteria: LabCorp Variant Classification Summary - May 2015. Collection method: clinical testing. Allele origin: germline.
Comment: Variant summary: ABCA12 c.7673T>C (p.Leu2558Pro) results in a non-conservative amino acid change in the encoded protein sequence. Algorithms developed to predict the effect of missense changes on protein structure and function all suggest that this variant is likely to be disruptive. The variant was absent in 250742 control chromosomes. c.7673T>C has been observed in a homozygous individual affected with Lamellar Ichthyosis (Youssefian_2019). These data indicate that the variant may be associated with disease. To our knowledge, no experimental evidence demonstrating an impact on protein function has been reported. The following publication have been ascertained in the context of this evaluation (PMID: 30578701). ClinVar contains an entry for this variant (Variation ID: 633802). Based on the evidence outlined above, the variant was classified as VUS-possibly pathogenic.

Uitto Lab, Thomas Jefferson University
Classification: Uncertain significance for Harlequin fetus. Last evaluated: 2018-06-08. Review status: criteria provided, single submitter. Criteria: ACMG Guidelines, 2015. Collection method: clinical testing. Allele origin: germline. Affected: yes. Study: Rare heritable connective tissue and skin disorders in Iranian cohort.

Narges Medical Genetic and Prenatal Diagnosis Lab
Classification: Uncertain significance for Autosomal recessive congenital ichthyosis 4A. Review status: no assertion criteria provided. Collection method: clinical testing. Allele origin: germline. Inheritance: Autosomal recessive inheritance. Affected: yes. Observed: 1 homozygote. Not counted in ClinVar's aggregate classification.

Literature cited by the submitters: PubMed 30578701 (cited by Women's Health and Genetics/Laboratory Corporation of America, LabCorp).

NM_173076.3(ABCA12):c.7673T>C (p.Leu2558Pro)

Genes: SNHG31 (small nucleolar RNA host gene 31; plus strand), ABCA12 (ATP binding cassette subfamily A member 12; minus strand). Cytogenetic location: 2q35.
Variant type: single nucleotide variant.
Coding change: c.7673T>C on transcript NM_173076.3 (MANE Select); coding-DNA position 7673, T replaced by C.
Protein change: p.Leu2558Pro; replaces leucine 2558 with proline.
Molecular consequence: missense variant. On other transcripts: non-coding transcript variant (1).
Genome position (GRCh38, 1-based): chr2:214,934,085, A>G on the plus strand (T>C on the coding strand, the complement: ABCA12 is on the minus strand). VCF-style: chr2-214934085-A-G. GRCh37 (hg19) VCF-style: chr2-215798809-A-G.
Other names: c.6719T>C, p.Leu2240Pro (NM_015657.4); short protein forms L2558P, L2240P.
Identifiers: ClinVar variation 633802 (VCV000633802.2), dbSNP rs1559098040, ClinGen allele CA350792555.